The following is an entry in ClinVar:

ClinVar aggregate classification (germline): Uncertain significance. Review status: criteria provided, multiple submitters, no conflicts (2 of 4 stars). 2 submissions from 2 submitters: Uncertain significance (2). Last evaluated 2022-06-06.

Conditions:
Cardiomyopathy (CMYO). Also called: Cardiomyopathies. Identifiers: Orphanet 167848, MedGen C0878544, MONDO:0004994, HP:0001638. Inheritance: Various modes of inheritance.
Lethal congenital glycogen storage disease of heart. Also called: PHOSPHORYLASE KINASE DEFICIENCY OF HEART; GLYCOGEN STORAGE DISEASE OF HEART. Identifiers: Orphanet 439854, MedGen C1849813, MONDO:0009867, OMIM 261740.

Allele frequency attached by ClinVar (database versions not stated): gnomAD exomes below 0.00001.
gnomAD v4.1: 4 of 1,613,936 alleles (0.00025%); highest among the groups gnomAD compares: South Asian, 0.0044%; no homozygotes.

Submissions (2):

Color Diagnostics, LLC DBA Color Health
Classification: Uncertain significance for Cardiomyopathy. Last evaluated: 2022-06-06. Review status: criteria provided, single submitter. Criteria: ACMG Guidelines, 2015. Collection method: clinical testing. Allele origin: germline.
Comment: This missense variant replaces serine with cysteine at codon 153 of the PRKAG2 protein. Computational prediction suggests that this variant may not impact protein structure and function (internally defined REVEL score threshold <= 0.5, PMID: 27666373). To our knowledge, functional studies have not been reported for this variant. This variant has not been reported in individuals affected with cardiovascular disorders in the literature. This variant has not been identified in the general population by the Genome Aggregation Database (gnomAD). The available evidence is insufficient to determine the role of this variant in disease conclusively. Therefore, this variant is classified as a Variant of Uncertain Significance.

Labcorp Genetics (formerly Invitae), Labcorp
Classification: Uncertain significance for Lethal congenital glycogen storage disease of heart. Last evaluated: 2021-08-31. Review status: criteria provided, single submitter. Criteria: Invitae Variant Classification Sherloc (09022015). Collection method: clinical testing. Allele origin: germline.
Comment: This sequence change replaces serine with cysteine at codon 153 of the PRKAG2 protein (p.Ser153Cys). The serine residue is moderately conserved and there is a moderate physicochemical difference between serine and cysteine. This variant is not present in population databases (ExAC no frequency). This variant has not been reported in the literature in individuals affected with PRKAG2-related conditions. Algorithms developed to predict the effect of missense changes on protein structure and function are either unavailable or do not agree on the potential impact of this missense change (SIFT: "Deleterious"; PolyPhen-2: "Possibly Damaging"; Align-GVGD: "Class C0"). In summary, the available evidence is currently insufficient to determine the role of this variant in disease. Therefore, it has been classified as a Variant of Uncertain Significance.

NM_016203.4(PRKAG2):c.458C>G (p.Ser153Cys)

Gene: PRKAG2 (protein kinase AMP-activated non-catalytic subunit gamma 2; minus strand). Cytogenetic location: 7q36.1.
Variant type: single nucleotide variant.
Coding change: c.458C>G on transcript NM_016203.4 (MANE Select); coding-DNA position 458, C replaced by G.
Protein change: p.Ser153Cys; replaces serine 153 with cysteine.
Molecular consequence: missense variant.
Genome position (GRCh38, 1-based): chr7:151,781,160, G>C on the plus strand (C>G on the coding strand, the complement: PRKAG2 is on the minus strand). VCF-style: chr7-151781160-G-C. GRCh37 (hg19) VCF-style: chr7-151478246-G-C.
Other names: c.326C>G, p.Ser109Cys (NM_001040633.2); short protein forms S109C, S153C.
Identifiers: ClinVar variation 656138 (VCV000656138.7), dbSNP rs1586486518, ClinGen allele CA370069175.